The following is an entry in ClinVar:

ClinVar aggregate classification (germline): Uncertain significance. Review status: criteria provided, multiple submitters, no conflicts (2 of 4 stars). 2 submissions from 2 submitters: Uncertain significance (2). Last evaluated 2023-08-15.

Conditions:
Long QT syndrome (LQTS). Identifiers: MedGen C0023976, MeSH D008133, MONDO:0002442. Disease mechanism: loss of function. Inheritance: Various modes of inheritance.

Allele frequency attached by ClinVar (database versions not stated): gnomAD exomes below 0.00001.
gnomAD v4.1: 1 of 1,614,196 alleles (0.000062%); highest among the groups gnomAD compares: Non-Finnish European, 0.000085%; no homozygotes.

Submissions (2):

All of Us Research Program, National Institutes of Health
Classification: Uncertain significance for Long QT syndrome. Last evaluated: 2023-08-15. Review status: criteria provided, single submitter. Criteria: ACMG Guidelines, 2015. Collection method: clinical testing. Allele origin: germline. Inheritance: Autosomal dominant inheritance. Observed: 1 variant allele, 1 heterozygote.
Comment: This missense variant replaces threonine with alanine at codon 470 of the KCNQ1 protein. Computational prediction is inconclusive regarding the impact of this variant on protein structure and function (internally defined REVEL score threshold 0.5 < inconclusive < 0.7, PMID: 27666373). In-vitro functional studies have shown that this variant may not impact KCNQ1 localization and phosphorylation (PMID: 12835205, 26405101). This variant has not been reported in individuals affected with KCNQ1-related disorders in the literature. This variant has not been identified in the general population by the Genome Aggregation Database (gnomAD). The available evidence is insufficient to determine the role of this variant in disease conclusively. Therefore, this variant is classified as a Variant of Uncertain Significance.

This study involves interpretation of variants in research participants for the purpose of population health screening. Participant phenotype was not available at the time of variant classification. Additional details can be found in publication PMID: 35346344, PMCID: PMC8962531

Labcorp Genetics (formerly Invitae), Labcorp
Classification: Uncertain significance for Long QT syndrome. Last evaluated: 2021-05-17. Review status: criteria provided, single submitter. Criteria: Invitae Variant Classification Sherloc (09022015). Collection method: clinical testing. Allele origin: germline.
Comment: In summary, the available evidence is currently insufficient to determine the role of this variant in disease. Therefore, it has been classified as a Variant of Uncertain Significance. Algorithms developed to predict the effect of missense changes on protein structure and function output the following: SIFT: "Tolerated"; PolyPhen-2: "Benign"; Align-GVGD: "Class C0". The alanine amino acid residue is found in multiple mammalian species, suggesting that this missense change does not adversely affect protein function. These predictions have not been confirmed by published functional studies and their clinical significance is uncertain. This variant has not been reported in the literature in individuals with KCNQ1-related conditions. This variant is not present in population databases (ExAC no frequency). This sequence change replaces threonine with alanine at codon 470 of the KCNQ1 protein (p.Thr470Ala). The threonine residue is moderately conserved and there is a small physicochemical difference between threonine and alanine.

Literature cited by the submitters: PubMed 12835205 (cited by All of Us Research Program, National Institutes of Health); PubMed 26405101 (cited by All of Us Research Program, National Institutes of Health).

NM_000218.3(KCNQ1):c.1408A>G (p.Thr470Ala)

Genes: KCNQ1 (potassium voltage-gated channel subfamily Q member 1; plus strand), KCNQ1OT1 (KCNQ1 opposite strand/antisense transcript 1; minus strand). Cytogenetic location: 11p15.5.
Variant type: single nucleotide variant.
Coding change: c.1408A>G on transcript NM_000218.3 (MANE Select); coding-DNA position 1408, A replaced by G.
Protein change: p.Thr470Ala; replaces threonine 470 with alanine.
Molecular consequence: missense variant.
Genome position (GRCh38, 1-based): chr11:2,661,975, A>G. VCF-style: chr11-2661975-A-G. GRCh37 (hg19) VCF-style: chr11-2683205-A-G.
Other names: c.1312A>G, p.Thr438Ala (NM_001406836.1); c.1138A>G, p.Thr380Ala (NM_001406837.1); c.868A>G, p.Thr290Ala (NM_001406838.1); c.1027A>G, p.Thr343Ala (NM_181798.2); short protein forms T343A, T470A, T290A, T438A, T380A.
Identifiers: ClinVar variation 1418537 (VCV001418537.10), dbSNP rs2133855949, ClinGen allele CA379479393.